The following is an entry in ClinVar:

NM_001126108.2(SLC12A3):c.2368+185C>T

Gene: SLC12A3 (solute carrier family 12 member 3; plus strand). Cytogenetic location: 16q13.
Variant type: single nucleotide variant.
Coding change: c.2368+185C>T on transcript NM_001126108.2 (MANE Select); 185 bases into the intron after coding-DNA position 2368, C replaced by T.
Molecular consequence: intron variant.
Genome position (GRCh38, 1-based): chr16:56,890,541, C>T. VCF-style: chr16-56890541-C-T. GRCh37 (hg19) VCF-style: chr16-56924453-C-T.
Other names: c.2368+185C>T (NM_000339.3); c.2365+185C>T (NM_001126107.2).
Identifiers: ClinVar variation 1684189 (VCV001684189.1), dbSNP rs1394574663, ClinGen allele CA721941033.

ClinVar aggregate classification (germline): Likely benign (1 of 4 stars; one submission).

Conditions:
Familial hypokalemia-hypomagnesemia (GTLMNS). Also called: gitelman syndrome; HYPOMAGNESEMIA-HYPOKALEMIA, PRIMARY RENOTUBULAR, WITH HYPOCALCIURIA; POTASSIUM AND MAGNESIUM DEPLETION. Identifiers: Orphanet 358, MedGen C0268450, MONDO:0009904, OMIM 263800.

Allele frequency attached by ClinVar (database versions not stated): TOPMed 0.00001.

Submission:

European Hospital Georges Pompidou Genetics Department, Assistance Publique - Hôpitaux de Paris AP-HP
Classification: Likely benign for Familial hypokalemia-hypomagnesemia. Last evaluated: 2022-04-27. Review status: criteria provided, single submitter. Criteria: ACMG Guidelines, 2015. Collection method: clinical testing, in vitro. Allele origin: germline. Affected: yes.
Comment: ACMG criteria used:BS3, PM2